The following is an entry in ClinVar:

ClinVar aggregate classification (germline): Uncertain significance (1 of 4 stars; one submission).

gnomAD v4.1: 29 of 700,282 alleles (0.0041%); highest among the groups gnomAD compares: African/African-American, 0.016%; no homozygotes.

Submission:

Labcorp Genetics (formerly Invitae), Labcorp
Classification: Uncertain significance. Last evaluated: 2022-09-19. Review status: criteria provided, single submitter. Criteria: Invitae Variant Classification Sherloc (09022015). Collection method: clinical testing. Allele origin: germline.
Comment: In summary, the available evidence is currently insufficient to determine the role of this variant in disease. Therefore, it has been classified as a Variant of Uncertain Significance. Experimental studies and prediction algorithms are not available or were not evaluated, and the functional significance of this variant is currently unknown. This variant has not been reported in the literature in individuals affected with RNU4ATAC-related conditions. This variant is present in population databases (no rsID available, gnomAD 0.02%). This variant occurs in the RNU4ATAC gene, which encodes an RNA molecule that does not result in a protein product.

NC_000002.12:g.121530968A>C

Genes: CLASP1 (cytoplasmic linker associated protein 1; minus strand), CLASP1-AS1 (CLASP1 antisense RNA 1; plus strand), RNU4ATAC (RNA, U4atac small nuclear; plus strand). Cytogenetic location: 2q14.2.
Variant type: single nucleotide variant.
Molecular consequence: intron variant (on NM_001395891.1).
Genome position: GRCh38 VCF-style: chr2-121530968-A-C. GRCh37 (hg19) VCF-style: chr2-122288544-A-C.
Other names: c.196-643T>G (NM_001142274.2, NM_015282.3, NM_001378003.1 and 5 more transcripts).
Identifiers: ClinVar variation 1915852 (VCV001915852.3), dbSNP rs573109856, ClinGen allele CA54810953.
Genomic context (GRCh38, chr2:121,530,968, plus strand): 5'-TGTCCAATGAGCGCATAGTGAGGGCAGTACTGCTAACGCCTGAACAACACACCCGCATCA[A>C]CTAGAGCTTTTGCTTTATTTTGGTGCAATTTTTGGAAAAATGAAAACCTGTTTTCATAGA-3'